The following is an entry in ClinVar:

ClinVar aggregate classification (germline): Uncertain significance (1 of 4 stars; one submission).

Conditions:
Ataxia-telangiectasia syndrome (AT). Also called: Ataxia-telangiectasia, complementation group E; ATAXIA-TELANGIECTASIA, COMPLEMENTATION GROUP A; ATAXIA-TELANGIECTASIA, FRESNO VARIANT; Ataxia-telangiectasia, complementation group D; AT, COMPLEMENTATION GROUP C; Ataxia-telangiectasia. Identifiers: Orphanet 100, MedGen C0004135, MONDO:0008840, OMIM 208900.

Submission:

Labcorp Genetics (formerly Invitae), Labcorp
Classification: Uncertain significance for Ataxia-telangiectasia syndrome. Last evaluated: 2025-01-19. Review status: criteria provided, single submitter. Criteria: Invitae Variant Classification Sherloc (09022015). Collection method: clinical testing. Allele origin: germline.
Comment: This sequence change replaces proline, which is neutral and non-polar, with arginine, which is basic and polar, at codon 872 of the ATM protein (p.Pro872Arg). This variant is not present in population databases (gnomAD no frequency). This variant has not been reported in the literature in individuals affected with ATM-related conditions. Invitae Evidence Modeling of protein sequence and biophysical properties (such as structural, functional, and spatial information, amino acid conservation, physicochemical variation, residue mobility, and thermodynamic stability) indicates that this missense variant is not expected to disrupt ATM protein function with a negative predictive value of 95%. In summary, the available evidence is currently insufficient to determine the role of this variant in disease. Therefore, it has been classified as a Variant of Uncertain Significance.

NM_000051.4(ATM):c.2615C>G (p.Pro872Arg)

Gene: ATM (ATM serine/threonine kinase; plus strand). Cytogenetic location: 11q22.3.
Variant type: single nucleotide variant.
Coding change: c.2615C>G on transcript NM_000051.4 (MANE Select); coding-DNA position 2615, C replaced by G.
Protein change: p.Pro872Arg; replaces proline 872 with arginine.
Molecular consequence: missense variant.
Genome position (GRCh38, 1-based): chr11:108,267,319, C>G. VCF-style: chr11-108267319-C-G. GRCh37 (hg19) VCF-style: chr11-108138046-C-G.
Other names: c.2615C>G, p.Pro872Arg (NM_001351834.2); short protein forms P872R.
Identifiers: ClinVar variation 3705339 (VCV003705339.2).
Genomic context (GRCh38, chr11:108,267,319, plus strand): 5'-AGTCATCCATGAATCTATTTAACGATTACCCTGATAGTAGTGTTAGTGATGCAAACGAAC[C>G]TGGAGAGAGCCAAAGTACCATAGGTAAATACATATTTACTACTTGGGATTTCTTTTACTT-3'
Protein context (NP_000042.3, residues 862-882): PDSSVSDANE[Pro872Arg]GESQSTIGAI